The following is an entry in ClinVar:

ClinVar aggregate classification (germline): Likely benign (1 of 4 stars; one submission).

Submission:

CeGaT Center for Human Genetics Tuebingen
Classification: Likely benign. Last evaluated: 2025-05-01. Review status: criteria provided, single submitter. Criteria: CeGaT Center For Human Genetics Tuebingen Variant Classification Criteria Version 2. Collection method: clinical testing. Allele origin: germline. Affected: yes. Observed: 1 variant allele.
Comment: SDHB: PM2:Supporting, BP4, BP7

NM_003000.3(SDHB):c.72+1831T>C

Gene: SDHB (succinate dehydrogenase complex iron sulfur subunit B; minus strand). Cytogenetic location: 1p36.13.
Variant type: single nucleotide variant.
Coding change: c.72+1831T>C on transcript NM_003000.3 (MANE Select); 1831 bases into the intron after coding-DNA position 72, T replaced by C.
Molecular consequence: intron variant.
Genome position (GRCh38, 1-based): chr1:17,052,117, A>G on the plus strand (T>C on the coding strand, the complement: SDHB is on the minus strand). VCF-style: chr1-17052117-A-G. GRCh37 (hg19) VCF-style: chr1-17378612-A-G.
Other names: c.72+1831T>C (NM_001407361.1).
Identifiers: ClinVar variation 3905000 (VCV003905000.10).